The following is an entry in ClinVar:

NM_001267550.2(TTN):c.47573-1G>C

Genes: TTN (titin; minus strand), TTN-AS1 (TTN antisense RNA 1; plus strand). Cytogenetic location: 2q31.2.
Variant type: single nucleotide variant.
Coding change: c.47573-1G>C on transcript NM_001267550.2 (MANE Select); the canonical splice acceptor site of the intron before coding-DNA position 47573, G replaced by C.
Molecular consequence: splice acceptor variant.
Genome position (GRCh38, 1-based): chr2:178,617,513, C>G on the plus strand (G>C on the coding strand, the complement: TTN is on the minus strand). VCF-style: chr2-178617513-C-G. GRCh37 (hg19) VCF-style: chr2-179482240-C-G.
Other names: c.20378-1G>C (NM_003319.4); c.20954-1G>C (NM_133437.4); c.20753-1G>C (NM_133432.3); c.39869-1G>C (NM_133378.4); c.42650-1G>C (NM_001256850.1).
Identifiers: ClinVar variation 2954492 (VCV002954492.3), dbSNP rs2470853390, ClinGen allele CA349614399.
Genomic context (GRCh38, chr2:178,617,513, plus strand): 5'-GCTGAACTGATGACTGAGTCTGATCTGAGGAAGTTAGGTTTACAGGAGGACTTGGTCTCT[C>G]TGGAATAAAAGAAGGAGTTGGAGCATACCATTTACGTTAGTGACAATTTATGAAAACAGT-3'

ClinVar aggregate classification (germline): Likely pathogenic (1 of 4 stars; one submission).

Conditions:
Autosomal recessive limb-girdle muscular dystrophy type 2J (LGMDR10). Also called: Limb-girdle muscular dystrophy, type 2J; MUSCULAR DYSTROPHY, LIMB-GIRDLE, AUTOSOMAL RECESSIVE 10. Identifiers: Orphanet 140922, MedGen C1837342, MONDO:0012127, OMIM 608807.
Dilated cardiomyopathy 1G (CMD1G). Identifiers: Orphanet 154, MedGen C1858763, MONDO:0011400, OMIM 604145.

Submission:

Labcorp Genetics (formerly Invitae), Labcorp
Classification: Likely pathogenic for Dilated cardiomyopathy 1G; Autosomal recessive limb-girdle muscular dystrophy type 2J. Last evaluated: 2023-12-09. Review status: criteria provided, single submitter. Criteria: Invitae Variant Classification Sherloc (09022015). Collection method: clinical testing. Allele origin: germline.
Comment: This sequence change affects an acceptor splice site in intron 253 of the TTN gene. It is expected to disrupt RNA splicing and likely results in a truncated or disrupted TTN protein. This variant is not present in population databases (gnomAD no frequency). This variant has not been reported in the literature in individuals affected with TTN-related conditions. Algorithms developed to predict the effect of sequence changes on RNA splicing suggest that this variant may disrupt the consensus splice site. This variant is located in the A band of TTN (PMID: 25589632). Truncating variants in this region are significantly overrepresented in patients affected with dilated cardiomyopathy (PMID: 25589632). Truncating variants in this region have also been reported in individuals affected with autosomal recessive centronuclear myopathy (PMID: 23975875). In summary, the currently available evidence indicates that the variant is pathogenic, but additional data are needed to prove that conclusively. Therefore, this variant has been classified as Likely Pathogenic.

Literature cited by the submitters: PubMed 25589632; PubMed 23975875.